The following is an entry in ClinVar:

ClinVar aggregate classification (germline): Conflicting classifications of pathogenicity. Review status: criteria provided, conflicting classifications (1 of 4 stars). 4 submissions from 4 submitters: Uncertain significance (3); Likely benign (1). Last evaluated 2026-01-12.

Conditions:
Myopathy, centronuclear, 5 (CNM5). Identifiers: Orphanet 169186, MedGen C4014814, MONDO:0014418, OMIM 615959.

Allele frequency attached by ClinVar (database versions not stated): TOPMed 0.00020; gnomAD 0.00021 and 0.00024; ESP Exome Variant Server 0.00026; gnomAD exomes 0.00026 and 0.00028; ExAC 0.00035.
gnomAD v4.1: 401 of 1,604,280 alleles (0.025%); highest among the groups gnomAD compares: Middle Eastern, 0.033%; no homozygotes.

Submissions (4):

Labcorp Genetics (formerly Invitae), Labcorp
Classification: Uncertain significance. Last evaluated: 2026-01-12. Review status: criteria provided, single submitter. Criteria: Invitae Variant Classification Sherloc (09022015). Collection method: clinical testing. Allele origin: germline.
Comment: This sequence change replaces proline, which is neutral and non-polar, with leucine, which is neutral and non-polar, at codon 2285 of the SPEG protein (p.Pro2285Leu). This variant is present in population databases (rs199997533, gnomAD 0.08%). This variant has not been reported in the literature in individuals affected with SPEG-related conditions. ClinVar contains an entry for this variant (Variation ID: 1430724). An algorithm developed to predict the effect of missense changes on protein structure and function (PolyPhen-2) suggests that this variant is likely to be tolerated. In summary, the available evidence is currently insufficient to determine the role of this variant in disease. Therefore, it has been classified as a Variant of Uncertain Significance.

Blueprint Genetics
Classification: Likely benign. Last evaluated: 2024-11-08. Review status: criteria provided, single submitter. Criteria: ACMG Guidelines, 2015. Collection method: clinical testing. Allele origin: germline.

Revvity Omics, Revvity
Classification: Uncertain significance for Myopathy, centronuclear, 5. Last evaluated: 2024-09-24. Review status: criteria provided, single submitter. Criteria: ACMG Guidelines, 2015. Collection method: clinical testing. Allele origin: germline.

CeGaT Center for Human Genetics Tuebingen
Classification: Uncertain significance. Last evaluated: 2023-07-01. Review status: criteria provided, single submitter. Criteria: CeGaT Center For Human Genetics Tuebingen Variant Classification Criteria Version 2. Collection method: clinical testing. Allele origin: germline. Affected: yes. Observed: 1 variant allele.

NM_005876.5(SPEG):c.6854C>T (p.Pro2285Leu)

Genes: ASIC4-AS1 (ASIC4 antisense RNA 1; minus strand), SPEG (striated muscle enriched protein kinase; plus strand). Cytogenetic location: 2q35.
Variant type: single nucleotide variant.
Coding change: c.6854C>T on transcript NM_005876.5 (MANE Select); coding-DNA position 6854, C replaced by T.
Protein change: p.Pro2285Leu; replaces proline 2285 with leucine.
Molecular consequence: missense variant.
Genome position (GRCh38, 1-based): chr2:219,484,317, C>T. VCF-style: chr2-219484317-C-T. GRCh37 (hg19) VCF-style: chr2-220349039-C-T.
Other names: short protein forms P2285L.
Identifiers: ClinVar variation 1430724 (VCV001430724.31), dbSNP rs199997533, ClinGen allele CA2127136.
Genomic context (GRCh38, chr2:219,484,317, plus strand): 5'-CTGCCGCGCCGCCTTCAGAGCCCAAGCCCCACGCTGCTGTCTTTGCCAGGGTGGCCTCCC[C>T]ACCTCCGGGAGCCCCCGAGAAGCGCGTGCCCTCAGCCGGGGGTCCCCCGGTGCTAGCCGA-3'
Protein context (NP_005867.3, residues 2275-2295): HAAVFARVAS[Pro2285Leu]PPGAPEKRVP